The following is an entry in ClinVar:

ClinVar aggregate classification (germline): Uncertain significance. Review status: criteria provided, multiple submitters, no conflicts (2 of 4 stars). 2 submissions from 2 submitters: Uncertain significance (2). Last evaluated 2024-05-25.

Conditions:
Hereditary cancer-predisposing syndrome. Also called: Tumor predisposition; Hereditary Cancer Syndrome; Neoplastic Syndromes, Hereditary; Hereditary neoplastic syndrome. Identifiers: Orphanet 140162, MedGen C0027672, MeSH D009386, MONDO:0015356.
Microcephaly, normal intelligence and immunodeficiency (NBS). Also called: Nijmegen breakage syndrome; Microcephaly with normal intelligence immunodeficiency and lymphoreticular malignancies; Nonsyndromal microcephaly autosomal recessive with normal intelligence; Seemanova syndrome 2; Immunodeficiency, microcephaly with normal intelligence; Ataxia telangiectasia variant V1. Identifiers: Orphanet 647, MedGen C0398791, MONDO:0009623, OMIM 251260.

Submissions (2):

Ambry Genetics
Classification: Uncertain significance for Hereditary cancer-predisposing syndrome. Last evaluated: 2024-05-25. Review status: criteria provided, single submitter. Criteria: Ambry Variant Classification Scheme 2023. Collection method: clinical testing. Allele origin: germline.
Comment: The p.D121V variant (also known as c.362A>T), located in coding exon 4 of the NBN gene, results from an A to T substitution at nucleotide position 362. The aspartic acid at codon 121 is replaced by valine, an amino acid with highly dissimilar properties. This amino acid position is conserved. In addition, this alteration is predicted to be deleterious by in silico analysis. Based on the available evidence, the clinical significance of this variant remains unclear.

Labcorp Genetics (formerly Invitae), Labcorp
Classification: Uncertain significance for Microcephaly, normal intelligence and immunodeficiency. Last evaluated: 2022-03-20. Review status: criteria provided, single submitter. Criteria: Invitae Variant Classification Sherloc (09022015). Collection method: clinical testing. Allele origin: germline.
Comment: In summary, the available evidence is currently insufficient to determine the role of this variant in disease. Therefore, it has been classified as a Variant of Uncertain Significance. Algorithms developed to predict the effect of sequence changes on RNA splicing suggest that this variant may disrupt the consensus splice site. Algorithms developed to predict the effect of missense changes on protein structure and function are either unavailable or do not agree on the potential impact of this missense change (SIFT: "Deleterious"; PolyPhen-2: "Probably Damaging"; Align-GVGD: "Class C0"). This variant has not been reported in the literature in individuals affected with NBN-related conditions. This variant is not present in population databases (gnomAD no frequency). This sequence change replaces aspartic acid, which is acidic and polar, with valine, which is neutral and non-polar, at codon 121 of the NBN protein (p.Asp121Val).

NM_002485.5(NBN):c.362A>T (p.Asp121Val)

Gene: NBN (nibrin; minus strand). Cytogenetic location: 8q21.3.
Variant type: single nucleotide variant.
Coding change: c.362A>T on transcript NM_002485.5 (MANE Select); coding-DNA position 362, A replaced by T.
Protein change: p.Asp121Val; replaces aspartic acid 121 with valine.
Molecular consequence: missense variant.
Genome position (GRCh38, 1-based): chr8:89,980,852, T>A on the plus strand (A>T on the coding strand, the complement: NBN is on the minus strand). VCF-style: chr8-89980852-T-A. GRCh37 (hg19) VCF-style: chr8-90993080-T-A.
Other names: c.116A>T, p.Asp39Val (NM_001024688.3); short protein forms D121V, D39V.
Identifiers: ClinVar variation 2115075 (VCV002115075.5), dbSNP rs770163751, ClinGen allele CA371662080.